The following is an entry in ClinVar:

ClinVar aggregate classification (germline): Likely benign. Review status: criteria provided, single submitter (1 of 4 stars). 2 submissions from 2 submitters: Likely benign (1). 1 of the submissions does not count toward it. Last evaluated 2017-11-03.

Conditions:
CELSR2-related disorder. Also called: CELSR2-related condition.

Allele frequency attached by ClinVar (database versions not stated): TOPMed 0.00003; gnomAD 0.00002 and 0.00003; ExAC 0.00003; gnomAD exomes 0.00003.
gnomAD v4.1: 52 of 1,613,930 alleles (0.0032%); highest among the groups gnomAD compares: Middle Eastern, 0.049%; no homozygotes.

Submissions (2):

Labcorp Genetics (formerly Invitae), Labcorp
Classification: Likely benign. Last evaluated: 2017-11-03. Review status: criteria provided, single submitter. Criteria: Invitae Variant Classification Sherloc (09022015). Collection method: clinical testing. Allele origin: germline.

PreventionGenetics, part of Exact Sciences
Classification: Likely benign for CELSR2-related condition. Last evaluated: 2019-03-25. Review status: no assertion criteria provided. Collection method: clinical testing. Allele origin: germline. Not counted in ClinVar's aggregate classification.
Comment: This variant is classified as likely benign based on ACMG/AMP sequence variant interpretation guidelines (Richards et al. 2015 PMID: 25741868, with internal and published modifications).

NM_001408.3(CELSR2):c.2001A>G (p.Val667=)

Gene: CELSR2 (cadherin EGF LAG seven-pass G-type receptor 2; plus strand). Cytogenetic location: 1p13.3.
Variant type: single nucleotide variant.
Coding change: c.2001A>G on transcript NM_001408.3 (MANE Select); coding-DNA position 2001, A replaced by G.
Protein change: p.Val667=; no amino-acid change (valine 667 retained).
Molecular consequence: synonymous variant.
Genome position (GRCh38, 1-based): chr1:109,252,080, A>G. VCF-style: chr1-109252080-A-G. GRCh37 (hg19) VCF-style: chr1-109794702-A-G.
Identifiers: ClinVar variation 732454 (VCV000732454.5), dbSNP rs768661744, ClinGen allele CA986671.